The following is an entry in ClinVar:

NM_002878.4(RAD51D):c.251C>G (p.Thr84Ser)

Genes: RAD51D (RAD51 paralog D; minus strand), RAD51L3-RFFL (RAD51L3-RFFL readthrough; minus strand). Cytogenetic location: 17q12.
Variant type: single nucleotide variant.
Coding change: c.251C>G on transcript NM_002878.4 (MANE Select); coding-DNA position 251, C replaced by G.
Protein change: p.Thr84Ser; replaces threonine 84 with serine.
Molecular consequence: missense variant. On other transcripts: intron variant (2).
Genome position (GRCh38, 1-based): chr17:35,118,513, G>C on the plus strand (C>G on the coding strand, the complement: RAD51D is on the minus strand). VCF-style: chr17-35118513-G-C. GRCh37 (hg19) VCF-style: chr17-33445532-G-C.
Other names: c.144+598C>G (NM_133629.3, NM_001142571.2); short protein forms T84S.
Identifiers: ClinVar variation 955937 (VCV000955937.10), dbSNP rs2091775868, ClinGen allele CA399091196.

ClinVar aggregate classification (germline): Uncertain significance. Review status: criteria provided, multiple submitters, no conflicts (2 of 4 stars). 2 submissions from 2 submitters: Uncertain significance (2). Last evaluated 2025-08-03.

Conditions:
Hereditary cancer-predisposing syndrome. Also called: Hereditary neoplastic syndrome; Tumor predisposition; Neoplastic Syndromes, Hereditary; Hereditary Cancer Syndrome. Identifiers: Orphanet 140162, MedGen C0027672, MeSH D009386, MONDO:0015356.
Breast-ovarian cancer, familial, susceptibility to, 4. Identifiers: Orphanet 145, MedGen C3280345, MONDO:0013669, OMIM 614291.

Submissions (2):

Ambry Genetics
Classification: Uncertain significance for Hereditary cancer-predisposing syndrome. Last evaluated: 2025-08-03. Review status: criteria provided, single submitter. Criteria: Ambry Variant Classification Scheme 2023. Collection method: clinical testing. Allele origin: germline.
Comment: The p.T84S variant (also known as c.251C>G), located in coding exon 3 of the RAD51D gene, results from a C to G substitution at nucleotide position 251. The threonine at codon 84 is replaced by serine, an amino acid with similar properties. This amino acid position is conserved. In addition, the in silico prediction for this alteration is inconclusive. Based on the available evidence, the clinical significance of this variant remains unclear.

Labcorp Genetics (formerly Invitae), Labcorp
Classification: Uncertain significance for Breast-ovarian cancer, familial, susceptibility to, 4. Last evaluated: 2019-08-24. Review status: criteria provided, single submitter. Criteria: Invitae Variant Classification Sherloc (09022015). Collection method: clinical testing. Allele origin: germline.
Comment: In summary, the available evidence is currently insufficient to determine the role of this variant in disease. Therefore, it has been classified as a Variant of Uncertain Significance. Algorithms developed to predict the effect of sequence changes on RNA splicing suggest that this variant may create or strengthen a splice site, but this prediction has not been confirmed by published transcriptional studies. Algorithms developed to predict the effect of missense changes on protein structure and function (SIFT, PolyPhen-2, Align-GVGD) all suggest that this variant is likely to be tolerated, but these predictions have not been confirmed by published functional studies and their clinical significance is uncertain. This variant has not been reported in the literature in individuals with RAD51D-related conditions. This variant is not present in population databases (ExAC no frequency). This sequence change replaces threonine with serine at codon 84 of the RAD51D protein (p.Thr84Ser). The threonine residue is highly conserved and there is a small physicochemical difference between threonine and serine.